The following is an entry in ClinVar:

NM_005257.6(GATA6):c.547G>T (p.Ala183Ser)

Gene: GATA6 (GATA binding protein 6; plus strand). Cytogenetic location: 18q11.2.
Variant type: single nucleotide variant.
Coding change: c.547G>T on transcript NM_005257.6 (MANE Select); coding-DNA position 547, G replaced by T.
Protein change: p.Ala183Ser; replaces alanine 183 with serine.
Molecular consequence: missense variant.
Genome position (GRCh38, 1-based): chr18:22,171,691, G>T. VCF-style: chr18-22171691-G-T. GRCh37 (hg19) VCF-style: chr18-19751652-G-T.
Other names: short protein forms A183S.
Identifiers: ClinVar variation 5001180 (VCV005001180.1).

ClinVar aggregate classification (germline): Uncertain significance (1 of 4 stars; one submission).

Conditions:
GATA6-related disorder. Also called: GATA6-related condition.

Submission:

PreventionGenetics, part of Exact Sciences
Classification: Uncertain significance for GATA6-related condition. Last evaluated: 2025-01-11. Review status: criteria provided, single submitter. Criteria: ACMG Guidelines, 2015. Collection method: clinical testing. Allele origin: germline.
Comment: The GATA6 c.547G>T variant is predicted to result in the amino acid substitution p.Ala183Ser. To our knowledge, this variant has not been reported in the literature or in a large population database (gnomAD), indicating this variant is rare. At this time, the clinical significance of this variant is uncertain due to the absence of conclusive functional and genetic evidence.